The following is an entry in ClinVar:

NM_001035.3(RYR2):c.3028G>A (p.Asp1010Asn)

Gene: RYR2 (ryanodine receptor 2; plus strand). Cytogenetic location: 1q43.
Variant type: single nucleotide variant.
Coding change: c.3028G>A on transcript NM_001035.3 (MANE Select); coding-DNA position 3028, G replaced by A.
Protein change: p.Asp1010Asn; replaces aspartic acid 1010 with asparagine.
Molecular consequence: missense variant.
Genome position (GRCh38, 1-based): chr1:237,548,552, G>A. VCF-style: chr1-237548552-G-A. GRCh37 (hg19) VCF-style: chr1-237711852-G-A.
Other names: c.3028G>A (NM_001035.2); short protein forms D1010N.
Identifiers: ClinVar variation 927697 (VCV000927697.5), dbSNP rs780949229, ClinGen allele CA086270.

ClinVar aggregate classification (germline): Uncertain significance. Review status: criteria provided, multiple submitters, no conflicts (2 of 4 stars). 3 submissions from 3 submitters: Uncertain significance (3). Last evaluated 2024-12-09.

Conditions:
Catecholaminergic polymorphic ventricular tachycardia (CVPT). Also called: Catecholamine-induced polymorphic ventricular tachycardia. Identifiers: Orphanet 3286, MedGen C5574922, MONDO:0017990.
Cardiomyopathy (CMYO). Also called: Cardiomyopathies. Identifiers: Orphanet 167848, MedGen C0878544, MONDO:0004994, HP:0001638. Inheritance: Various modes of inheritance.

gnomAD v4.1: 5 of 1,613,980 alleles (0.00031%); highest among the groups gnomAD compares: Non-Finnish European, 0.00042%; no homozygotes.

Submissions (3):

GeneDx
Classification: Uncertain significance. Last evaluated: 2024-12-09. Review status: criteria provided, single submitter. Criteria: GeneDx Variant Classification Process June 2021. Collection method: clinical testing. Allele origin: germline. Affected: yes.
Comment: In silico analysis supports that this missense variant has a deleterious effect on protein structure/function; Has not been previously published as pathogenic or benign to our knowledge; Not located in one of the three hot-spot regions of the RYR2 gene, where the majority of pathogenic missense variants occur (PMID: 19926015)

All of Us Research Program, National Institutes of Health
Classification: Uncertain significance for Catecholaminergic polymorphic ventricular tachycardia. Last evaluated: 2024-06-11. Review status: criteria provided, single submitter. Criteria: ACMG Guidelines, 2015. Collection method: clinical testing. Allele origin: germline. Inheritance: Autosomal dominant inheritance. Observed: 1 variant allele, 1 heterozygote.
Comment: This missense variant replaces aspartic acid with asparagine at codon 1010 of the RYR2 protein. Computational prediction suggests that this variant may not impact protein structure and function (internally defined REVEL score threshold <= 0.5, PMID: 27666373). Splice site prediction tools suggest that this variant may not impact RNA splicing. To our knowledge, functional studies have not been performed for this variant. This variant has not been reported in individuals affected with cardiovascular disorders in the literature. This variant has been identified in 1/249188 chromosomes in the general population by the Genome Aggregation Database (gnomAD). The available evidence is insufficient to determine the role of this variant in disease conclusively. Therefore, this variant is classified as a Variant of Uncertain Significance.

This study involves interpretation of variants in research participants for the purpose of population health screening. Participant phenotype was not available at the time of variant classification. Additional details can be found in publication PMID: 35346344, PMCID: PMC8962531

Color Diagnostics, LLC DBA Color Health
Classification: Uncertain significance for Cardiomyopathy. Last evaluated: 2020-02-25. Review status: criteria provided, single submitter. Criteria: ACMG Guidelines, 2015. Collection method: clinical testing. Allele origin: germline.
Comment: This missense variant replaces aspartic acid with asparagine at codon 1010 of the RYR2 protein. Computational prediction suggests that this variant may not impact protein structure and function (internally defined REVEL score threshold <= 0.5, PMID: 27666373). Splice site prediction tools suggest that this variant may not impact RNA splicing. To our knowledge, functional studies have not been performed for this variant. This variant has not been reported in individuals affected with cardiovascular disorders in the literature. This variant has been identified in 1/249188 chromosomes in the general population by the Genome Aggregation Database (gnomAD). The available evidence is insufficient to determine the role of this variant in disease conclusively. Therefore, this variant is classified as a Variant of Uncertain Significance.